The following is an entry in ClinVar:

NM_001164508.2(NEB):c.11506G>T (p.Asp3836Tyr)

Gene: NEB (nebulin; minus strand). Cytogenetic location: 2q23.3.
Variant type: single nucleotide variant.
Coding change: c.11506G>T on transcript NM_001164508.2 (MANE Select); coding-DNA position 11506, G replaced by T.
Protein change: p.Asp3836Tyr; replaces aspartic acid 3836 with tyrosine.
Molecular consequence: missense variant.
Genome position (GRCh38, 1-based): chr2:151,614,371, C>A on the plus strand (G>T on the coding strand, the complement: NEB is on the minus strand). VCF-style: chr2-151614371-C-A. GRCh37 (hg19) VCF-style: chr2-152470885-C-A.
Other names: c.11506G>T, p.Asp3836Tyr (NM_001164507.2, NM_001271208.2); c.10777G>T, p.Asp3593Tyr (NM_004543.5); short protein forms D3836Y, D3593Y.
Identifiers: ClinVar variation 955007 (VCV000955007.11), dbSNP rs758723038, ClinGen allele CA57637948.

ClinVar aggregate classification (germline): Uncertain significance. Review status: criteria provided, multiple submitters, no conflicts (2 of 4 stars). 3 submissions from 3 submitters: Uncertain significance (2). 1 of the submissions does not count toward it. Last evaluated 2026-03-10.

Conditions:
Nemaline myopathy 2 (NEM2). Also called: Nemaline myopathy 2, autosomal recessive. Identifiers: MedGen C1850569, MONDO:0009725, OMIM 256030.

Allele frequency attached by ClinVar (database versions not stated): TOPMed below 0.00001; gnomAD 0.00001.
gnomAD v4.1: 8 of 1,613,742 alleles (0.0005%); highest among the groups gnomAD compares: Non-Finnish European, 0.00068%; no homozygotes.

Submissions (3):

GeneDx
Classification: Uncertain significance. Last evaluated: 2026-03-10. Review status: criteria provided, single submitter. Criteria: GeneDx Variant Classification Process June 2021. Collection method: clinical testing. Allele origin: germline.
Comment: Not observed at significant frequency in large population cohorts (gnomAD); In silico analysis supports that this missense variant has a deleterious effect on protein structure/function; Has not been previously published as pathogenic or benign to our knowledge

Labcorp Genetics (formerly Invitae), Labcorp
Classification: Uncertain significance for Nemaline myopathy 2. Last evaluated: 2022-07-19. Review status: criteria provided, single submitter. Criteria: Invitae Variant Classification Sherloc (09022015). Collection method: clinical testing. Allele origin: germline.
Comment: This sequence change replaces aspartic acid, which is acidic and polar, with tyrosine, which is neutral and polar, at codon 3836 of the NEB protein (p.Asp3836Tyr). This variant is not present in population databases (gnomAD no frequency). This variant has not been reported in the literature in individuals affected with NEB-related conditions. ClinVar contains an entry for this variant (Variation ID: 955007). Algorithms developed to predict the effect of missense changes on protein structure and function are either unavailable or do not agree on the potential impact of this missense change (SIFT: "Deleterious"; PolyPhen-2: "Not Available"; Align-GVGD: "Class C0"). In summary, the available evidence is currently insufficient to determine the role of this variant in disease. Therefore, it has been classified as a Variant of Uncertain Significance.

Natera, Inc.
Classification: Uncertain significance for Nemaline myopathy type 2. Last evaluated: 2020-03-11. Review status: no assertion criteria provided. Collection method: clinical testing. Allele origin: germline. Not counted in ClinVar's aggregate classification.